The following is an entry in ClinVar:

NM_001166108.2(PALLD):c.3100C>G (p.Gln1034Glu)

Genes: CBR4 (carbonyl reductase 4; minus strand), PALLD (palladin, cytoskeletal associated protein; plus strand). Cytogenetic location: 4q32.3.
Variant type: single nucleotide variant.
Coding change: c.3100C>G on transcript NM_001166108.2 (MANE Select); coding-DNA position 3100, C replaced by G.
Protein change: p.Gln1034Glu; replaces glutamine 1034 with glutamic acid.
Molecular consequence: missense variant.
Genome position (GRCh38, 1-based): chr4:168,924,296, C>G. VCF-style: chr4-168924296-C-G. GRCh37 (hg19) VCF-style: chr4-169845447-C-G.
Other names: c.1903C>G, p.Gln635Glu (NM_001166109.2); c.1588C>G, p.Gln530Glu (NM_001166110.2); c.928C>G, p.Gln310Glu (NM_001367567.1, NM_001367569.1); c.979C>G, p.Gln327Glu (NM_001367568.1, NM_001367570.1); c.3049C>G, p.Gln1017Glu (NM_016081.4); short protein forms Q310E, Q327E, Q530E, Q635E, Q1034E, Q1017E.
Identifiers: ClinVar variation 4841859 (VCV004841859.1).
Genomic context (GRCh38, chr4:168,924,296, plus strand): 5'-TCATCTCATGTTTTCTTAGCTAAAGAAGCACACAAACCCCCTGTGTTTATTGAGAAGCTC[C>G]AAAACACAGGAGTTGCTGATGGGTACCCAGTGCGGCTGGAATGTCGTGTATTGGGAGTGC-3'
Protein context (NP_001159580.1, residues 1024-1044): HKPPVFIEKL[Gln1034Glu]NTGVADGYPV

ClinVar aggregate classification (germline): Uncertain significance (1 of 4 stars; one submission).

Submission:

Ambry Genetics
Classification: Uncertain significance. Last evaluated: 2025-12-29. Review status: criteria provided, single submitter. Criteria: Ambry Variant Classification Scheme 2023. Collection method: clinical testing. Allele origin: germline.
Comment: The p.Q530E variant (also known as c.1588C>G), located in coding exon 9 of the PALLD gene, results from a C to G substitution at nucleotide position 1588. The glutamine at codon 530 is replaced by glutamic acid, an amino acid with highly similar properties. This amino acid position is conserved. In addition, the in silico prediction for this alteration is inconclusive. Based on the available evidence, the clinical significance of this variant remains unclear.